The following is an entry in ClinVar:

NM_000444.6(PHEX):c.1822_1823del (p.Glu608fs)

Genes: PHEX (phosphate regulating endopeptidase X-linked; plus strand), PTCHD1-AS (PTCHD1 and PHEX antisense RNA; minus strand). Cytogenetic location: Xp22.11.
Variant type: Deletion.
Coding change: c.1822_1823del on transcript NM_000444.6 (MANE Select); coding-DNA positions 1822 to 1823, 2 bases deleted (GA; older notation c.1822_1823delGA).
Protein change: p.Glu608fs; shifts the reading frame from glutamic acid 608.
Molecular consequence: frameshift variant.
Genome position (GRCh38, 1-based): chrX:22,221,666-22,221,667, GA deleted; deleting any 2 consecutive bases within chrX:22,221,665-22,221,667 gives the same sequence; the c. name uses the placement nearest the transcript's 3' end. VCF-style (leftmost placement, unchanged base first): chrX-22221664-CAG-C. GRCh37 (hg19) VCF-style: chrX-22239781-CAG-C.
Other names: c.1822_1823del, p.Glu608fs (NM_001282754.2); short protein forms E608fs.
Identifiers: ClinVar variation 2865883 (VCV002865883.4), dbSNP rs2518664384, ClinGen allele CA2739268119.
Genomic context (GRCh38, chrX:22,221,664, plus strand): 5'-TTTTGCTAGGTAGAAAATATGATAAAAATGGAAACCTGGATCCTTGGTGGTCTACTGAAT[CAG>C]AAGAAAAGTTTAAGGAAAAAACAAAATGCATGATTAACCAGTATAGCAACTATTATTGGA-3'

ClinVar aggregate classification (germline): Pathogenic. Review status: criteria provided, single submitter (1 of 4 stars). 2 submissions from 2 submitters: Pathogenic (1). 1 of the submissions does not count toward it. Last evaluated 2023-05-19.

Conditions:
Childhood hypophosphatasia. Identifiers: Orphanet 247667, Orphanet 436, MedGen C0220743, MONDO:1010168, OMIM 241510, MONDO:0009428.

Submissions (2):

Labcorp Genetics (formerly Invitae), Labcorp
Classification: Pathogenic. Last evaluated: 2023-05-19. Review status: criteria provided, single submitter. Criteria: Invitae Variant Classification Sherloc (09022015). Collection method: clinical testing. Allele origin: germline.
Comment: For these reasons, this variant has been classified as Pathogenic. This variant has not been reported in the literature in individuals affected with PHEX-related conditions. This variant is not present in population databases (gnomAD no frequency). This sequence change creates a premature translational stop signal (p.Glu608Argfs*4) in the PHEX gene. It is expected to result in an absent or disrupted protein product. Loss-of-function variants in PHEX are known to be pathogenic (PMID: 9097956, 9106524, 19219621).

Department of Pediatric Endocrinology, Shriners Hospitals for Children - Mexico City
No classification provided. Condition: Childhood hypophosphatasia. Review status: no classification provided. Collection method: phenotyping only. Allele origin: germline. Inheritance: X-linked dominant inheritance. Affected: yes. Observed: 1 variant allele. Not counted in ClinVar's aggregate classification.

Literature cited by the submitters: PubMed 9097956 (cited by Labcorp Genetics (formerly Invitae), Labcorp); PubMed 9106524 (cited by Labcorp Genetics (formerly Invitae), Labcorp); PubMed 19219621 (cited by Labcorp Genetics (formerly Invitae), Labcorp).